The following is an entry in ClinVar:

ClinVar aggregate classification (germline): Uncertain significance (1 of 4 stars; one submission).

Allele frequency attached by ClinVar (database versions not stated): gnomAD 0.00001; gnomAD exomes 0.00001; ExAC 0.00002; TOPMed 0.00003.
gnomAD v4.1: 5 of 1,613,942 alleles (0.00031%); highest among the groups gnomAD compares: African/African-American, 0.0053%; no homozygotes.

Submission:

Labcorp Genetics (formerly Invitae), Labcorp
Classification: Uncertain significance. Last evaluated: 2020-09-15. Review status: criteria provided, single submitter. Criteria: Invitae Variant Classification Sherloc (09022015). Collection method: clinical testing. Allele origin: germline.
Comment: This variant has not been reported in the literature in individuals with COMP-related conditions. In summary, the available evidence is currently insufficient to determine the role of this variant in disease. Therefore, it has been classified as a Variant of Uncertain Significance. Algorithms developed to predict the effect of missense changes on protein structure and function are either unavailable or do not agree on the potential impact of this missense change (SIFT: "Deleterious"; PolyPhen-2: "Probably Damaging"; Align-GVGD: "Class C15"). This variant is present in population databases (rs763030013, ExAC 0.01%). This sequence change replaces asparagine with aspartic acid at codon 652 of the COMP protein (p.Asn652Asp). The asparagine residue is highly conserved and there is a small physicochemical difference between asparagine and aspartic acid.

NM_000095.3(COMP):c.1954A>G (p.Asn652Asp)

Gene: COMP (cartilage oligomeric matrix protein; minus strand). Cytogenetic location: 19p13.11.
Variant type: single nucleotide variant.
Coding change: c.1954A>G on transcript NM_000095.3 (MANE Select); coding-DNA position 1954, A replaced by G.
Protein change: p.Asn652Asp; replaces asparagine 652 with aspartic acid.
Molecular consequence: missense variant.
Genome position (GRCh38, 1-based): chr19:18,784,324, T>C on the plus strand (A>G on the coding strand, the complement: COMP is on the minus strand). VCF-style: chr19-18784324-T-C. GRCh37 (hg19) VCF-style: chr19-18895134-T-C.
Other names: short protein forms N652D.
Identifiers: ClinVar variation 1039475 (VCV001039475.8), dbSNP rs763030013, ClinGen allele CA9316217.